The following is an entry in ClinVar:

ClinVar aggregate classification (germline): Likely benign (1 of 4 stars; one submission).

gnomAD v4.1: 1,000 of 1,582,062 alleles (0.063%); highest among the groups gnomAD compares: African/African-American, 0.96%; 95 homozygotes.

Submission:

CeGaT Center for Human Genetics Tuebingen
Classification: Likely benign. Last evaluated: 2024-10-01. Review status: criteria provided, single submitter. Criteria: CeGaT Center For Human Genetics Tuebingen Variant Classification Criteria Version 2. Collection method: clinical testing. Allele origin: germline. Affected: yes. Observed: 1 variant allele.
Comment: AHNAK2: BP4, BS2

NM_138420.4(AHNAK2):c.5791G>C (p.Ala1931Pro)

Gene: AHNAK2 (AHNAK nucleoprotein 2; minus strand). Cytogenetic location: 14q32.33.
Variant type: single nucleotide variant.
Coding change: c.5791G>C on transcript NM_138420.4 (MANE Select); coding-DNA position 5791, G replaced by C.
Protein change: p.Ala1931Pro; replaces alanine 1931 with proline.
Molecular consequence: missense variant.
Genome position (GRCh38, 1-based): chr14:104,949,660, C>G on the plus strand (G>C on the coding strand, the complement: AHNAK2 is on the minus strand). VCF-style: chr14-104949660-C-G. GRCh37 (hg19) VCF-style: chr14-105415997-C-G.
Other names: c.5491G>C, p.Ala1831Pro (NM_001350929.2); short protein forms A1831P, A1931P.
Identifiers: ClinVar variation 3388459 (VCV003388459.14).